The following is an entry in ClinVar:

NM_130837.3(OPA1):c.1399C>T (p.Pro467Ser)

Gene: OPA1 (OPA1 mitochondrial dynamin like GTPase; plus strand). Cytogenetic location: 3q29.
Variant type: single nucleotide variant.
Coding change: c.1399C>T on transcript NM_130837.3 (MANE Select); coding-DNA position 1399, C replaced by T.
Protein change: p.Pro467Ser; replaces proline 467 with serine.
Molecular consequence: missense variant.
Genome position (GRCh38, 1-based): chr3:193,643,549, C>T. VCF-style: chr3-193643549-C-T. GRCh37 (hg19) VCF-style: chr3-193361338-C-T.
Other names: c.865C>T, p.Pro289Ser (NM_001354663.2); c.862C>T, p.Pro288Ser (NM_001354664.2); c.1234C>T, p.Pro412Ser (NM_015560.3); c.1126C>T, p.Pro376Ser (NM_130831.3); c.1180C>T, p.Pro394Ser (NM_130832.3); c.1237C>T, p.Pro413Ser (NM_130833.3); c.1288C>T, p.Pro430Ser (NM_130834.3); c.1291C>T, p.Pro431Ser (NM_130835.3); and 1 more; short protein forms P288S, P289S, P376S, P394S, P412S, P413S, P430S, P431S.
Identifiers: ClinVar variation 3391679 (VCV003391679.1).

ClinVar aggregate classification (germline): Uncertain significance (1 of 4 stars; one submission).

gnomAD v4.1: 3 of 1,613,824 alleles (0.00019%); highest among the groups gnomAD compares: South Asian, 0.0022%; no homozygotes.

Submission:

GeneDx
Classification: Uncertain significance. Last evaluated: 2024-06-18. Review status: criteria provided, single submitter. Criteria: GeneDx Variant Classification Process June 2021. Collection method: clinical testing. Allele origin: germline. Affected: yes.
Comment: Not observed at significant frequency in large population cohorts (gnomAD); In silico analysis indicates that this missense variant does not alter protein structure/function; Has not been previously published as pathogenic or benign to our knowledge